The following is an entry in ClinVar:

ClinVar aggregate classification (germline): Likely benign (1 of 4 stars; one submission).

Allele frequency attached by ClinVar (database versions not stated): gnomAD 0.01391 and 0.01492; 1000 Genomes Project 0.01458; 1000 Genomes Project 30x 0.01515; TOPMed 0.01570.
gnomAD v4.1: 2,093 of 152,078 alleles (1.4%); highest among the groups gnomAD compares: African/African-American, 4.8%; 53 homozygotes.

Submission:

GeneDx
Classification: Likely benign. Last evaluated: 2018-06-14. Review status: criteria provided, single submitter. Criteria: GeneDx Variant Classification (06012015). Collection method: clinical testing. Allele origin: germline. Affected: yes.
Comment: This variant is considered likely benign or benign based on one or more of the following criteria: it is a conservative change, it occurs at a poorly conserved position in the protein, it is predicted to be benign by multiple in silico algorithms, and/or has population frequency not consistent with disease.

NM_004612.4(TGFBR1):c.1387-261C>T

Gene: TGFBR1 (transforming growth factor beta receptor 1; plus strand). Cytogenetic location: 9q22.33.
Variant type: single nucleotide variant.
Coding change: c.1387-261C>T on transcript NM_004612.4 (MANE Select); 261 bases into the intron before coding-DNA position 1387, C replaced by T.
Molecular consequence: intron variant.
Genome position (GRCh38, 1-based): chr9:99,148,919, C>T. VCF-style: chr9-99148919-C-T. GRCh37 (hg19) VCF-style: chr9-101911201-C-T.
Other names: c.1399-261C>T (NM_001306210.2); c.1156-261C>T (NM_001130916.3).
Identifiers: ClinVar variation 673310 (VCV000673310.1), dbSNP rs10988731, ClinGen allele CA196895597.
Genomic context (GRCh38, chr9:99,148,919, plus strand): 5'-GATGTGAATACTTCAAAGTACAAACTTAAAATTTCAGTGTGAGGTCAGATTTCTTCTTTG[C>T]TTTGCCCAGCTCTGGTTTAGGATTCGGCCTTTTCAGGTTTGCTAAATGAGTCACTCTTTG-3'